The following is an entry in ClinVar:

ClinVar aggregate classification (germline): Uncertain significance (1 of 4 stars; one submission).

Conditions:
CACNA1I-related disorder. Also called: CACNA1I-related condition.

Submission:

PreventionGenetics, part of Exact Sciences
Classification: Uncertain significance for CACNA1I-related condition. Last evaluated: 2023-08-07. Review status: criteria provided, single submitter. Criteria: ACMG Guidelines, 2015. Collection method: clinical testing. Allele origin: germline.
Comment: The CACNA1I c.6296A>G variant is predicted to result in the amino acid substitution p.His2099Arg. To our knowledge, this variant has not been reported in the literature or in a large population database, indicating this variant is rare. At this time, the clinical significance of this variant is uncertain due to the absence of conclusive functional and genetic evidence.

NM_021096.4(CACNA1I):c.6296A>G (p.His2099Arg)

Gene: CACNA1I (calcium voltage-gated channel subunit alpha1 I; plus strand). Cytogenetic location: 22q13.1.
Variant type: single nucleotide variant.
Coding change: c.6296A>G on transcript NM_021096.4 (MANE Select); coding-DNA position 6296, A replaced by G.
Protein change: p.His2099Arg; replaces histidine 2099 with arginine.
Molecular consequence: missense variant.
Genome position (GRCh38, 1-based): chr22:39,686,029, A>G. VCF-style: chr22-39686029-A-G. GRCh37 (hg19) VCF-style: chr22-40082034-A-G.
Other names: c.6191A>G, p.His2064Arg (NM_001003406.2); short protein forms H2064R, H2099R.
Identifiers: ClinVar variation 2635050 (VCV002635050.1), dbSNP rs2518211732, ClinGen allele CA411647291.